The following is an entry in ClinVar:

NM_004612.4(TGFBR1):c.1459C>T (p.Arg487Trp)

Gene: TGFBR1 (transforming growth factor beta receptor 1; plus strand). Cytogenetic location: 9q22.33.
Variant type: single nucleotide variant.
Coding change: c.1459C>T on transcript NM_004612.4 (MANE Select); coding-DNA position 1459, C replaced by T.
Protein change: p.Arg487Trp; replaces arginine 487 with tryptophan.
Molecular consequence: missense variant.
Genome position (GRCh38, 1-based): chr9:99,149,252, C>T. VCF-style: chr9-99149252-C-T. GRCh37 (hg19) VCF-style: chr9-101911534-C-T.
Other names: p.R487W:CGG>TGG; c.1228C>T, p.Arg410Trp (NM_001130916.3); c.1471C>T, p.Arg491Trp (NM_001306210.2); short protein forms R487W, R410W, R491W.
Identifiers: ClinVar variation 12526 (VCV000012526.35), dbSNP rs111426349, ClinGen allele CA008768.

ClinVar aggregate classification (germline): Pathogenic/Likely pathogenic. Review status: criteria provided, multiple submitters, no conflicts (2 of 4 stars). 13 submissions from 13 submitters: Pathogenic (11); Likely pathogenic (1). 1 of the submissions does not count toward it. Last evaluated 2025-12-09.

Conditions:
Loeys-Dietz syndrome 1 (LDS1). Also called: TGFBR1-Related Loeys-Dietz Syndrome; FURLONG SYNDROME; AORTIC ANEURYSM, FAMILIAL THORACIC 5. Identifiers: Orphanet 60030, MedGen C4551955, MONDO:0012212, OMIM 609192.
Multiple self-healing squamous epithelioma (MSSE). Also called: MULTIPLE SELF-HEALING SQUAMOUS EPITHELIOMA, SUSCEPTIBILITY TO. Identifiers: Orphanet 65748, MedGen C0546476, MONDO:0007566, OMIM 132800.
Familial thoracic aortic aneurysm and aortic dissection (TAAD). Also called: Thoracic aortic aneurysms and dissections. Identifiers: Orphanet 91387, MedGen C4707243, MONDO:0019625.
Loeys-Dietz syndrome (LDS). Identifiers: Orphanet 60030, MedGen C2697932, MONDO:0018954.
TGFBR1-related disorder. Also called: TGFBR1-related condition.

Submissions (13):

Labcorp Genetics (formerly Invitae), Labcorp
Classification: Pathogenic for Familial thoracic aortic aneurysm and aortic dissection. Last evaluated: 2025-12-09. Review status: criteria provided, single submitter. Criteria: Invitae Variant Classification Sherloc (09022015). Collection method: clinical testing. Allele origin: germline.
Comment: This sequence change replaces arginine, which is basic and polar, with tryptophan, which is neutral and slightly polar, at codon 487 of the TGFBR1 protein (p.Arg487Trp). This variant is not present in population databases (gnomAD no frequency). This missense change has been observed in individuals with Loeys-Dietz syndrome and thoracic aortic aneurysm and dissections (PMID: 19542084, 23884466, 24793577, 25110237, 27611364). It has also been observed to segregate with disease in related individuals. ClinVar contains an entry for this variant (Variation ID: 12526). Invitae Evidence Modeling of protein sequence and biophysical properties (such as structural, functional, and spatial information, amino acid conservation, physicochemical variation, residue mobility, and thermodynamic stability) indicates that this missense variant is expected to disrupt TGFBR1 protein function with a positive predictive value of 80%. This variant disrupts the p.Arg487 amino acid residue in TGFBR1. Other variant(s) that disrupt this residue have been determined to be pathogenic (PMID: 23884466). This suggests that this residue is clinically significant, and that variants that disrupt this residue are likely to be disease-causing. For these reasons, this variant has been classified as Pathogenic.

Blueprint Genetics
Classification: Pathogenic for TGFBR1-related disorders. Last evaluated: 2024-09-18. Review status: criteria provided, single submitter. Criteria: ACMG Guidelines, 2015. Collection method: clinical testing. Allele origin: germline. Affected: yes. Observed: 5 variant alleles.

All of Us Research Program, National Institutes of Health
Classification: Pathogenic for Loeys-Dietz syndrome. Last evaluated: 2024-07-23. Review status: criteria provided, single submitter. Criteria: ACMG Guidelines, 2015. Collection method: clinical testing. Allele origin: germline. Inheritance: Autosomal dominant inheritance. Observed: 1 variant allele, 1 heterozygote.
Comment: This missense variant replaces arginine with tryptophan at codon 478 in the cytoplasmic kinase domain of the TGFBR1 protein. Computational prediction suggests that this variant may have deleterious impact on protein structure and function (internally defined REVEL score threshold >= 0.7, PMID: 27666373). To our knowledge, functional studies have not been reported for this variant. This variant has been reported to segregate with thoracic aortic aneurysm and dissections in over ten individuals from two large families (PMID: 19542084, 25110237). This variant has been observed in individuals affected with Loeys-Dietz syndrome (PMID: 16928994, 23884466, 26848186, 26877057), aortopathy (PMID: 27611364) and Marfan syndrome (PMID: 24793577). This variant has not been identified in the general population by the Genome Aggregation Database (gnomAD). A different missense variant occurring at the same codon, p.Arg487Gln, is known to be disease-causing, indicating the importance of arginine residue at this position for TGFBR1 protein function (ClinVar variation ID: 12525). Based on the available evidence, this variant is classified as Pathogenic.

This study involves interpretation of variants in research participants for the purpose of population health screening. Participant phenotype was not available at the time of variant classification. Additional details can be found in publication PMID: 35346344, PMCID: PMC8962531

GeneDx
Classification: Pathogenic. Last evaluated: 2023-06-01. Review status: criteria provided, single submitter. Criteria: GeneDx Variant Classification Process June 2021. Collection method: clinical testing. Allele origin: germline. Affected: yes.
Comment: Observed in multiple unrelated individuals with Loeys-Dietz syndrome, isolated thoracic aortic aneurysm and dissection (TAAD) or aortic disease, and possible Marfan syndrome in the published literature (Loeys et al., 2006; Tran-Fadulu et al., 2009; Dong et al., 2014; Luo et al., 2016; Teixido-Tura et al., 2016; Yang et al., 2016; Zheng et al., 2018; Jani et al., 2020; Li et al., 2021); Not observed at significant frequency in large population cohorts (gnomAD); In silico analysis supports that this missense variant has a deleterious effect on protein structure/function; This variant is associated with the following publications: (PMID: 16928994, 30341550, 24793577, 21815248, 23884466, 26877057, 27611364, 26848186, 27879313, 21358634, 29510914, 30056620, 34456093, 34150014, 30513140, 30787465, 32152251, 34916229, 25110237, 19542084)

MGZ Medical Genetics Center
Classification: Likely pathogenic for Loeys-Dietz syndrome 1. Last evaluated: 2021-11-24. Review status: criteria provided, single submitter. Criteria: ACMG Guidelines, 2015. Collection method: clinical testing. Allele origin: germline. Affected: yes. Observed: 1 variant allele.
Comment: ACMG criteria applied: PS4, PM2_SUP, PP1, PP3

CHEO Genetics Diagnostic Laboratory, Children's Hospital of Eastern Ontario
Classification: Pathogenic for Familial thoracic aortic aneurysm and aortic dissection. Last evaluated: 2021-10-04. Review status: criteria provided, single submitter. Criteria: ACMG Guidelines, 2015. Collection method: clinical testing. Allele origin: germline.

Color Diagnostics, LLC DBA Color Health
Classification: Pathogenic for Familial thoracic aortic aneurysm and aortic dissection. Last evaluated: 2020-11-04. Review status: criteria provided, single submitter. Criteria: ACMG Guidelines, 2015. Collection method: clinical testing. Allele origin: germline.
Comment: This missense variant replaces arginine with tryptophan at codon 478 in the cytoplasmic kinase domain of the TGFBR1 protein. Computational prediction suggests that this variant may have deleterious impact on protein structure and function (internally defined REVEL score threshold >= 0.7, PMID: 27666373). To our knowledge, functional studies have not been reported for this variant. This variant has been reported to segregate with thoracic aortic aneurysm and dissections in over ten individuals from two large families (PMID: 19542084, 25110237). This variant has been observed in individuals affected with Loeys-Dietz syndrome (PMID: 16928994, 23884466, 26848186, 26877057), aortopathy (PMID: 27611364) and Marfan syndrome (PMID: 24793577). This variant has not been identified in the general population by the Genome Aggregation Database (gnomAD). A different missense variant occurring at the same codon, p.Arg487Gln, is known to be disease-causing, indicating the importance of arginine residue at this position for TGFBR1 protein function (ClinVar variation ID: 12525). Based on the available evidence, this variant is classified as Pathogenic.

Clinical Genetics and Genomics, Karolinska University Hospital
Classification: Pathogenic. Last evaluated: 2019-02-07. Review status: criteria provided, single submitter. Criteria: ACMG Guidelines, 2015. Collection method: clinical testing. Allele origin: germline. Affected: yes. Observed: 2 variant alleles.

Fulgent Genetics
Classification: Pathogenic for Multiple self-healing squamous epithelioma; Loeys-Dietz syndrome 1. Last evaluated: 2018-10-31. Review status: criteria provided, single submitter. Criteria: ACMG Guidelines, 2015. Collection method: clinical testing. Allele origin: unknown.

Ambry Genetics
Classification: Pathogenic for Familial thoracic aortic aneurysm and aortic dissection. Last evaluated: 2018-04-25. Review status: criteria provided, single submitter. Criteria: Ambry Variant Classification Scheme 2023. Collection method: clinical testing. Allele origin: germline.
Comment: The p.R487W pathogenic mutation (also known as c.1459C>T), located in coding exon 9 of the TGFBR1 gene, results from a C to T substitution at nucleotide position 1459. The arginine at codon 487 is replaced by tryptophan, an amino acid with dissimilar properties. This alteration has been reported in association with Loeys Dietz syndrome, thoracic aortic aneurysm and dissection, as well as other aortic disease (Loeys BL et al. N. Engl. J. Med., 2006 Aug;355:788-98; Lerner-Ellis JP et al. Mol. Genet. Metab., 2014 Jun;112:171-6; Yang H et al. Sci Rep, 2016 Sep;6:33002; Luo M et al. Clin. Chim. Acta, 2016 May;456:144-148). In addition, this alteration segregated with the disease in a few apparently unrelated families (Tran-Fadulu V et al. J. Med. Genet., 2009 Sep;46:607-13; Dong SB et al. Ann Vasc Surg, 2014 Nov;28:1909-12; Teixid&oacute;-Tura G et al. Heart, 2016 Apr;102:626-32). Based on the supporting evidence, this alteration is interpreted as a disease-causing mutation.

Laboratory for Molecular Medicine, Mass General Brigham Personalized Medicine
Classification: Pathogenic for Loeys-Dietz syndrome; Familial thoracic aortic aneurysm and aortic dissection. Last evaluated: 2014-08-21. Review status: criteria provided, single submitter. Criteria: LMM Criteria. Collection method: clinical testing. Allele origin: germline. Observed: 1 variant allele.
Comment: The Arg487Trp variant in TGFBR1 has been reported in 4 individuals with clinical features of Loeys-Dietz syndrome (Loeys 2006, Frischmeyer-Guerrerio 2013, LMM u npublished). Additionally, the Arg487Trp variant was reported in 3 individuals w ith familial thoracic aortic aneurysm and dissection (TAAD) and segregated with disease in 13 affected relatives with TAAD from two of these families (Tran-Fadu lu 2009, Aragon-Martin 2013, Dong 2014). This variant was absent from large popu lation studies. Computational prediction tools and conservation analysis suggest that the Arg487Trp variant may impact the protein, though this information is n ot predictive enough to determine pathogenicity. In summary, this variant meets our criteria to be classified as pathogenic.

Juno Genomics, Hangzhou Juno Genomics, Inc
Classification: Pathogenic for Loeys-Dietz syndrome 1. Review status: criteria provided, single submitter. Criteria: ACMG Guidelines, 2015. Collection method: clinical testing. Allele origin: germline. Affected: yes.
Comment: Absent from controls (or at extremely low frequency if recessive) in Genome Aggregation Database, Exome Sequencing Project, 1000 Genomes Project, or Exome Aggregation Consortium.;Multiple lines of computational evidence support a deleterious effect on the gene or gene product (conservation, evolutionary, splicing impact, etc).;Missense variant in a gene that has a low rate of benign missense variation and where missense variants are a common mechanism of disease.;The prevalence of the variant in affected individuals is significantly increased compared to the prevalence in controls.;Patient's phenotype or family history is highly specific for a disease with a single genetic etiology.;Co-segregation with disease in multiple affected family members in a gene definitively known to cause the disease.

OMIM
Classification: Pathogenic for LOEYS-DIETZ SYNDROME 1. Last evaluated: 2009-09-01. Review status: no assertion criteria provided. Collection method: literature only. Allele origin: germline. Not counted in ClinVar's aggregate classification.

Literature cited by the submitters: PubMed 19542084 (cited by 4 submitters); PubMed 23884466 (cited by Labcorp Genetics (formerly Invitae), Labcorp and All of Us Research Program, National Institutes of Health); PubMed 24793577 (cited by 3 submitters); PubMed 25110237 (cited by 3 submitters); PubMed 27611364 (cited by 3 submitters); PubMed 16928994 (cited by 4 submitters); PubMed 26848186 (cited by All of Us Research Program, National Institutes of Health and Ambry Genetics); PubMed 26877057 (cited by All of Us Research Program, National Institutes of Health and Ambry Genetics); PubMed 2647812 (cited by OMIM).